The following is an entry in ClinVar:

ClinVar aggregate classification (germline): Conflicting classifications of pathogenicity. Review status: criteria provided, conflicting classifications (1 of 4 stars). 7 submissions from 7 submitters: Uncertain significance (2); Benign (1); Likely benign (2). 2 of the submissions do not count toward it. Last evaluated 2026-01-18.

Conditions:
Congenital stationary night blindness 1E. Also called: Night blindness, congenital stationary (complete), 1E, autosomal recessive. Identifiers: Orphanet 215, MedGen C3281215, MONDO:0013807, OMIM 614565.
Inborn genetic diseases. Identifiers: MedGen C0950123, MeSH D030342.

Allele frequency attached by ClinVar (database versions not stated): 1000 Genomes Project 0.00060; 1000 Genomes Project 30x 0.00078; TOPMed 0.00098; gnomAD exomes 0.00105 and 0.00122; ESP Exome Variant Server 0.00110; gnomAD 0.00118 and 0.00128; ExAC 0.00129.
gnomAD v4.1: 1,935 of 1,608,882 alleles (0.12%); highest among the groups gnomAD compares: Non-Finnish European, 0.13%; 5 homozygotes.

Submissions (7):

Labcorp Genetics (formerly Invitae), Labcorp
Classification: Benign. Last evaluated: 2026-01-18. Review status: criteria provided, single submitter. Criteria: Invitae Variant Classification Sherloc (09022015). Collection method: clinical testing. Allele origin: germline.

Blueprint Genetics
Classification: Likely benign. Last evaluated: 2024-10-17. Review status: criteria provided, single submitter. Criteria: ACMG Guidelines, 2015. Collection method: clinical testing. Allele origin: germline.

Ambry Genetics
Classification: Likely benign for Inborn genetic diseases. Last evaluated: 2022-03-23. Review status: criteria provided, single submitter. Criteria: Ambry Variant Classification Scheme 2023. Collection method: clinical testing. Allele origin: germline.

Centre for Mendelian Genomics, University Medical Centre Ljubljana
Classification: Uncertain significance for Congenital stationary night blindness 1E. Last evaluated: 2020-03-07. Review status: criteria provided, single submitter. Criteria: ACMG Guidelines, 2015. Collection method: clinical testing. Allele origin: unknown. Affected: yes.
Comment: This variant was classified as: Uncertain significance. The available evidence on this variant's pathogenicity is insufficient or conflicting.

Illumina Laboratory Services, Illumina
Classification: Uncertain significance for Congenital stationary night blindness 1E. Last evaluated: 2018-01-12. Review status: criteria provided, single submitter. Criteria: ICSL Variant Classification Criteria 13 December 2019. Collection method: clinical testing. Allele origin: germline.

Clinical Genetics DNA and cytogenetics Diagnostics Lab, Erasmus MC, Erasmus Medical Center
Classification: Likely benign. Review status: no assertion criteria provided. Collection method: clinical testing. Allele origin: germline. Affected: yes. Study: VKGL Data-share Consensus. Not counted in ClinVar's aggregate classification.

Clinical Genetics, Academic Medical Center
Classification: Likely benign. Review status: no assertion criteria provided. Collection method: clinical testing. Allele origin: germline. Affected: yes. Study: VKGL Data-share Consensus. Not counted in ClinVar's aggregate classification.

NM_001004334.4(GPR179):c.1133C>T (p.Ala378Val)

Gene: GPR179 (G protein-coupled receptor 179; minus strand). Cytogenetic location: 17q12.
Variant type: single nucleotide variant.
Coding change: c.1133C>T on transcript NM_001004334.4 (MANE Select); coding-DNA position 1133, C replaced by T.
Protein change: p.Ala378Val; replaces alanine 378 with valine.
Molecular consequence: missense variant.
Genome position (GRCh38, 1-based): chr17:38,337,072, G>A on the plus strand (C>T on the coding strand, the complement: GPR179 is on the minus strand). VCF-style: chr17-38337072-G-A. GRCh37 (hg19) VCF-style: chr17-36492955-G-A.
Other names: short protein forms A378V.
Identifiers: ClinVar variation 891149 (VCV000891149.20), dbSNP rs192426710, ClinGen allele CA290109367.